The following is an entry in ClinVar:

NM_001122630.2(CDKN1C):c.113G>T (p.Arg38Leu)

Gene: CDKN1C (cyclin dependent kinase inhibitor 1C; minus strand). Cytogenetic location: 11p15.4.
Variant type: single nucleotide variant.
Coding change: c.113G>T on transcript NM_001122630.2 (MANE Select); coding-DNA position 113, G replaced by T.
Protein change: p.Arg38Leu; replaces arginine 38 with leucine.
Molecular consequence: missense variant.
Genome position (GRCh38, 1-based): chr11:2,885,344, C>A on the plus strand (G>T on the coding strand, the complement: CDKN1C is on the minus strand). VCF-style: chr11-2885344-C-A. GRCh37 (hg19) VCF-style: chr11-2906574-C-A.
Other names: c.146G>T, p.Arg49Leu (NM_000076.2, NM_001362474.2); c.113G>T, p.Arg38Leu (NM_001122631.2, NM_001362475.2); short protein forms R49L, R38L.
Identifiers: ClinVar variation 4829448 (VCV004829448.1).

ClinVar aggregate classification (germline): Uncertain significance (1 of 4 stars; one submission).

Conditions:
Inborn genetic diseases. Identifiers: MedGen C0950123, MeSH D030342.

Submission:

Ambry Genetics
Classification: Uncertain significance for Inborn genetic diseases. Last evaluated: 2026-02-23. Review status: criteria provided, single submitter. Criteria: Ambry Variant Classification Scheme 2023. Collection method: clinical testing. Allele origin: germline.
Comment: The c.146G>T (p.R49L) alteration is located in exon 1 (coding exon 1) of the CDKN1C gene. This alteration results from a G to T substitution at nucleotide position 146, causing the arginine (R) at amino acid position 49 to be replaced by a leucine (L). Based on data from gnomAD, the T allele has an overall frequency of <0.001% (0/213994) total alleles studied. The highest observed frequency was <0.001% (/) of alleles. Based on insufficient or conflicting evidence, the clinical significance of this alteration remains unclear.